The following is an entry in ClinVar:

ClinVar aggregate classification (germline): Conflicting classifications of pathogenicity. Review status: criteria provided, conflicting classifications (1 of 4 stars). 5 submissions from 5 submitters: Uncertain significance (3); Benign (1); Likely benign (1). Last evaluated 2026-06-26.

Conditions:
PIEZO1-related disorder. Also called: PIEZO1-related condition; PIEZO1-Related Disorders.

Allele frequency attached by ClinVar (database versions not stated): gnomAD 0.00019; TOPMed 0.00020; ExAC 0.00021; gnomAD exomes 0.00024; ESP Exome Variant Server 0.00044; 1000 Genomes Project 0.00060; 1000 Genomes Project 30x 0.00062.
gnomAD v4.1: 352 of 1,550,236 alleles (0.023%); highest among the groups gnomAD compares: Non-Finnish European, 0.027%; no homozygotes.

Submissions (5):

PreventionGenetics, part of Exact Sciences
Classification: Uncertain significance for PIEZO1-related condition. Last evaluated: 2026-06-26. Review status: criteria provided, single submitter. Criteria: ACMG Guidelines, 2015. Collection method: clinical testing. Allele origin: germline.
Comment: The PIEZO1 c.3631C>T variant is predicted to result in the amino acid substitution p.Arg1211Cys. To our knowledge, this variant has not been reported in the literature. This variant is reported in 0.031% of alleles in individuals of European (Non-Finnish) descent in gnomAD. At this time, the clinical significance of this variant is uncertain due to the absence of conclusive functional and genetic evidence.

Mayo Clinic Laboratories, Mayo Clinic
Classification: Likely benign. Last evaluated: 2025-02-26. Review status: criteria provided, single submitter. Criteria: ACMG Guidelines, 2015. Collection method: clinical testing. Allele origin: germline. Observed: 5 variant alleles.

Blueprint Genetics
Classification: Uncertain significance. Last evaluated: 2024-09-05. Review status: criteria provided, single submitter. Criteria: ACMG Guidelines, 2015. Collection method: clinical testing. Allele origin: germline.

Revvity Omics, Revvity
Classification: Uncertain significance. Last evaluated: 2024-03-19. Review status: criteria provided, single submitter. Criteria: ACMG Guidelines, 2015. Collection method: clinical testing. Allele origin: germline.

Labcorp Genetics (formerly Invitae), Labcorp
Classification: Benign. Last evaluated: 2022-04-28. Review status: criteria provided, single submitter. Criteria: Invitae Variant Classification Sherloc (09022015). Collection method: clinical testing. Allele origin: germline.

NM_001142864.4(PIEZO1):c.3631C>T (p.Arg1211Cys)

Gene: PIEZO1 (piezo type mechanosensitive ion channel component 1 (Er blood group); minus strand). Cytogenetic location: 16q24.3.
Variant type: single nucleotide variant.
Coding change: c.3631C>T on transcript NM_001142864.4 (MANE Select); coding-DNA position 3631, C replaced by T.
Protein change: p.Arg1211Cys; replaces arginine 1211 with cysteine.
Molecular consequence: missense variant.
Genome position (GRCh38, 1-based): chr16:88,726,783, G>A on the plus strand (C>T on the coding strand, the complement: PIEZO1 is on the minus strand). VCF-style: chr16-88726783-G-A. GRCh37 (hg19) VCF-style: chr16-88793191-G-A.
Other names: p.Arg1211Cys; c.2173C>T, p.Arg725Cys (NM_014745.1); c.3631C>T (NM_001142864.3); short protein forms R1211C, R725C.
Identifiers: ClinVar variation 2040621 (VCV002040621.10), dbSNP rs142506765, ClinGen allele CA8232438.